The following is an entry in ClinVar:

GRCh38/hg38 Yq12(chrY:56903689-57208726)x0

Genes: IL9R (interleukin 9 receptor; plus strand), SPRY3 (sprouty RTK signaling antagonist 3; plus strand), VAMP7 (vesicle associated membrane protein 7; plus strand), WASIR1 (WASH and IL9R antisense RNA 1; minus strand), LOC107522039 (meiotic recombination hotspot PAR2; plus strand) and 1 more. Cytogenetic location: Yq12.
Variant type: copy number loss.
Change: copy number 0 of chrY:56,903,689-57,208,726 (305.0 kb, GRCh38 coordinates, 1-based), cytogenetic band Yq12.
Identifiers: ClinVar variation 59665 (VCV000059665.3).

ClinVar aggregate classification (germline): conflicting data from submitters (0 of 4 stars; one submission).

Submission:

ISCA site 1
Classification: conflicting data from submitters. Last evaluated: 2014-12-19. Review status: no assertion criteria provided. Collection method: clinical testing. Allele origin: unknown. Affected: yes. Observed: 6 variant alleles. Clinical features observed: Autism (HP:0000717), Intellectual disability, mild (HP:0001256), Delayed speech and language development (HP:0000750), Developmental delay AND/OR other significant developmental or morphological phenotypes, Global developmental delay (HP:0001263), Seizures (HP:0001250).
Comment: Uncertain significance(1), Likely benign (2), Benign (3)

Copy number variation identified through the course of routine clinical cytogenomic testing in postnatal populations, with clinical assertions as classified by the original submitter. For data from the original published study, Kaminsky, et al. 2011 (PubMed 21844811), please see nstd101.